The following is an entry in ClinVar:

NC_012920.1(MT-ND2):m.5262G>A

Gene: MT-ND2 (mitochondrially encoded NADH dehydrogenase 2; plus strand).
Variant type: single nucleotide variant.
Genome position: chrM-5262-G-A.
Identifiers: ClinVar variation 692559 (VCV000692559.1), dbSNP rs1603219855, ClinGen allele CA414779556.
Genomic context (GRCh38, chrMT:5,262, plus strand): 5'-CCATCCACCCTCCTCTCCCTAGGAGGCCTGCCCCCGCTAACCGGCTTTTTGCCCAAATGG[G>A]CCATTATCGAAGAATTCACAAAAAACAATAGCCTCATCATCCCCACCATCATAGCCACCA-3'

ClinVar aggregate classification (germline): Benign (1 of 4 stars; one submission).

Conditions:
Leigh syndrome (NULS). Also called: Leigh's necrotizing encephalopathy; Leigh's disease; Leigh Syndrome (mtDNA deletion); Leigh Disease; Subacute necrotizing encephalopathy; Necrotizing encephalopathy infantile subacute of Leigh. Identifiers: Orphanet 506, MedGen C2931891, MONDO:0009723, OMIM 256000.

Submission:

Wong Mito Lab, Molecular and Human Genetics, Baylor College of Medicine
Classification: Benign for Leigh syndrome. Last evaluated: 2019-10-17. Review status: criteria provided, single submitter. Criteria: Modified ACMG Guidelines (Unpublished). Collection method: clinical testing. Allele origin: germline.
Comment: The NC_012920.1:m.5262G>A (YP_003024027.1:p.Ala265Thr) variant in MTND2 gene is interpretated to be a Benign variant based on the modified ACMG guidelines (unpublished). This variant meets the following evidence codes: BS1, BS4, BP4